The following is an entry in ClinVar:

ClinVar aggregate classification (germline): Uncertain significance. Review status: criteria provided, multiple submitters, no conflicts (2 of 4 stars). 3 submissions from 3 submitters: Uncertain significance (3). Last evaluated 2025-08-17.

Conditions:
Tuberous sclerosis 1 (TSC1). Identifiers: Orphanet 805, MedGen C1854465, MONDO:0008612, OMIM 191100.
Hereditary cancer-predisposing syndrome. Also called: Hereditary neoplastic syndrome; Neoplastic Syndromes, Hereditary; Hereditary Cancer Syndrome; Tumor predisposition. Identifiers: Orphanet 140162, MedGen C0027672, MeSH D009386, MONDO:0015356.
Tuberous sclerosis syndrome (TSC). Also called: Tuberous Sclerosis Complex; Tuberous sclerosis. Identifiers: Orphanet 805, MedGen C0041341, MONDO:0001734.

Allele frequency attached by ClinVar (database versions not stated): gnomAD exomes below 0.00001.
gnomAD v4.1: 1 of 1,614,174 alleles (0.000062%); highest among the groups gnomAD compares: Non-Finnish European, 0.000085%; no homozygotes.

Submissions (3):

Color Diagnostics, LLC DBA Color Health
Classification: Uncertain significance for Tuberous sclerosis syndrome. Last evaluated: 2025-08-17. Review status: criteria provided, single submitter. Criteria: ACMG Guidelines, 2015. Collection method: clinical testing. Allele origin: germline.
Comment: This missense variant replaces glycine with aspartic acid at codon 1137 of the TSC1 protein. Computational prediction suggests that this variant may not impact protein structure and function. To our knowledge, functional studies have not been reported for this variant. This variant has not been reported in individuals affected with TSC1-related disorders in the literature. This variant has not been identified in the general population by the Genome Aggregation Database (gnomAD). The available evidence is insufficient to determine the role of this variant in disease conclusively. Therefore, this variant is classified as a Variant of Uncertain Significance.

Ambry Genetics
Classification: Uncertain significance for Hereditary cancer-predisposing syndrome. Last evaluated: 2025-05-31. Review status: criteria provided, single submitter. Criteria: Ambry Variant Classification Scheme 2023. Collection method: clinical testing. Allele origin: germline.
Comment: The p.G1137D variant (also known as c.3410G>A), located in coding exon 21 of the TSC1 gene, results from a G to A substitution at nucleotide position 3410. The glycine at codon 1137 is replaced by aspartic acid, an amino acid with similar properties. This amino acid position is conserved. In addition, this alteration is predicted to be tolerated by in silico analysis. Based on the available evidence, the clinical significance of this variant remains unclear.

Labcorp Genetics (formerly Invitae), Labcorp
Classification: Uncertain significance for Tuberous sclerosis 1. Last evaluated: 2024-01-24. Review status: criteria provided, single submitter. Criteria: Invitae Variant Classification Sherloc (09022015). Collection method: clinical testing. Allele origin: germline.
Comment: This sequence change replaces glycine, which is neutral and non-polar, with aspartic acid, which is acidic and polar, at codon 1137 of the TSC1 protein (p.Gly1137Asp). This variant is not present in population databases (gnomAD no frequency). This variant has not been reported in the literature in individuals affected with TSC1-related conditions. An algorithm developed to predict the effect of missense changes on protein structure and function (PolyPhen-2) suggests that this variant is likely to be tolerated. In summary, the available evidence is currently insufficient to determine the role of this variant in disease. Therefore, it has been classified as a Variant of Uncertain Significance.

NM_000368.5(TSC1):c.3410G>A (p.Gly1137Asp)

Gene: TSC1 (TSC complex subunit 1; minus strand). Cytogenetic location: 9q34.13.
Variant type: single nucleotide variant.
Coding change: c.3410G>A on transcript NM_000368.5 (MANE Select); coding-DNA position 3410, G replaced by A.
Protein change: p.Gly1137Asp; replaces glycine 1137 with aspartic acid.
Molecular consequence: missense variant. On other transcripts: non-coding transcript variant (5).
Genome position (GRCh38, 1-based): chr9:132,896,320, C>T on the plus strand (G>A on the coding strand, the complement: TSC1 is on the minus strand). VCF-style: chr9-132896320-C-T. GRCh37 (hg19) VCF-style: chr9-135771707-C-T.
Other names: c.3407G>A, p.Gly1136Asp (NM_001162426.2, NM_001406597.1, NM_001406598.1 and 2 more transcripts); c.3257G>A, p.Gly1086Asp (NM_001162427.2, NM_001406610.1); c.3047G>A, p.Gly1016Asp (NM_001362177.2, NM_001406614.1, NM_001406615.1 and 4 more transcripts); c.3410G>A, p.Gly1137Asp (NM_001406592.1, NM_001406593.1, NM_001406594.1 and 2 more transcripts); c.3395G>A, p.Gly1132Asp (NM_001406601.1, NM_001406602.1); c.3392G>A, p.Gly1131Asp (NM_001406603.1, NM_001406604.1); c.3368G>A, p.Gly1123Asp (NM_001406605.1, NM_001406606.1, NM_001406607.1); c.3365G>A, p.Gly1122Asp (NM_001406608.1, NM_001406609.1); and 8 more; short protein forms G1015D, G1086D, G1122D, G1136D, G1001D, G1132D, G1137D, G786D.
Identifiers: ClinVar variation 2720517 (VCV002720517.5), dbSNP rs1845032228, ClinGen allele CA375366428.